The following is an entry in ClinVar:

NM_001242896.3(DEPDC5):c.728G>T (p.Arg243Leu)

Gene: DEPDC5 (DEP domain containing 5, GATOR1 subcomplex subunit; plus strand). Cytogenetic location: 22q12.2.
Variant type: single nucleotide variant.
Coding change: c.728G>T on transcript NM_001242896.3 (MANE Select); coding-DNA position 728, G replaced by T.
Protein change: p.Arg243Leu; replaces arginine 243 with leucine.
Molecular consequence: missense variant. On other transcripts: non-coding transcript variant (5).
Genome position (GRCh38, 1-based): chr22:31,792,778, G>T. VCF-style: chr22-31792778-G-T. GRCh37 (hg19) VCF-style: chr22-32188764-G-T.
Other names: c.728G>T, p.Arg243Leu (NM_001007188.4, NM_001136029.4, NM_001242897.2 and 7 more transcripts); c.644G>T, p.Arg215Leu (NM_001369901.1, NM_001369902.1); short protein forms R215L, R243L.
Identifiers: ClinVar variation 1418647 (VCV001418647.9), dbSNP rs368129922, ClinGen allele CA411289142.

ClinVar aggregate classification (germline): Uncertain significance (1 of 4 stars; one submission).

Conditions:
Familial focal epilepsy with variable foci (FPEVF). Identifiers: Orphanet 98820, MedGen C1858477, MONDO:0020310.

gnomAD v4.1: 1 of 1,552,724 alleles (0.000064%); highest among the groups gnomAD compares: Non-Finnish European, 0.000086%; no homozygotes.

Submissions (2):

Labcorp Genetics (formerly Invitae), Labcorp
Classification: Uncertain significance for Familial focal epilepsy with variable foci. Last evaluated: 2024-09-15. Review status: criteria provided, single submitter. Criteria: Invitae Variant Classification Sherloc (09022015). Collection method: clinical testing. Allele origin: germline.
Comment: This sequence change replaces arginine, which is basic and polar, with leucine, which is neutral and non-polar, at codon 243 of the DEPDC5 protein (p.Arg243Leu). The frequency data for this variant in the population databases is considered unreliable, as metrics indicate poor data quality at this position in the gnomAD database. This variant has not been reported in the literature in individuals affected with DEPDC5-related conditions. ClinVar contains an entry for this variant (Variation ID: 1418647). Experimental studies and prediction algorithms are not available or were not evaluated, and the functional significance of this variant is currently unknown. In summary, the available evidence is currently insufficient to determine the role of this variant in disease. Therefore, it has been classified as a Variant of Uncertain Significance.

Dr. Peter K. Rogan Lab, Western University
No classification provided (evidence only). Condition: Malignant tumor of urinary bladder. Review status: no classification provided. Collection method: in vitro. Allele origin: not applicable. Functional consequence: retained intron. Not counted in ClinVar's aggregate classification.